The following is an entry in ClinVar:

ClinVar aggregate classification (germline): Uncertain significance (1 of 4 stars; one submission).

Conditions:
Neurodevelopmental disorder with hypotonia, stereotypic hand movements, and impaired language. Also called: Intellectual disability, autosomal dominant 20. Identifiers: Orphanet 228384, Orphanet 664410, MedGen C3150700, MONDO:0013266, OMIM 613443.

Submission:

Labcorp Genetics (formerly Invitae), Labcorp
Classification: Uncertain significance for Neurodevelopmental disorder with hypotonia, stereotypic hand movements, and impaired language. Last evaluated: 2023-05-11. Review status: criteria provided, single submitter. Criteria: Invitae Variant Classification Sherloc (09022015). Collection method: clinical testing. Allele origin: germline.
Comment: In summary, the available evidence is currently insufficient to determine the role of this variant in disease. Therefore, it has been classified as a Variant of Uncertain Significance. An algorithm developed to predict the effect of missense changes on protein structure and function (PolyPhen-2) suggests that this variant is likely to be disruptive. This variant has not been reported in the literature in individuals affected with MEF2C-related conditions. This variant is not present in population databases (gnomAD no frequency). This sequence change replaces aspartic acid, which is acidic and polar, with glutamic acid, which is acidic and polar, at codon 104 of the MEF2C protein (p.Asp104Glu).

NM_002397.5(MEF2C):c.312C>A (p.Asp104Glu)

Gene: MEF2C (myocyte enhancer factor 2C; minus strand). Cytogenetic location: 5q14.3.
Variant type: single nucleotide variant.
Coding change: c.312C>A on transcript NM_002397.5 (MANE Select); coding-DNA position 312, C replaced by A.
Protein change: p.Asp104Glu; replaces aspartic acid 104 with glutamic acid.
Molecular consequence: missense variant. On other transcripts: 5 prime UTR variant (2), intron variant (10).
Genome position (GRCh38, 1-based): chr5:88,761,275, G>T on the plus strand (C>A on the coding strand, the complement: MEF2C is on the minus strand). VCF-style: chr5-88761275-G-T. GRCh37 (hg19) VCF-style: chr5-88057092-G-T.
Other names: c.312C>A, p.Asp104Glu (NM_001193347.1, NM_001193350.2, NM_001308002.3 and 20 more transcripts); c.-67C>A (NM_001364353.2, NM_001364356.2); c.259-9232C>A (NM_001364344.2, NM_001364354.2, NM_001364332.2 and 3 more transcripts); c.259-150C>A (NM_001131005.2, NM_001364352.2, NM_001364343.2); c.-24-9232C>A (NM_001364357.2); short protein forms D104E.
Identifiers: ClinVar variation 2795591 (VCV002795591.3), dbSNP rs587781034, ClinGen allele CA360424620.